The following is an entry in ClinVar:

NM_002439.5(MSH3):c.702dup (p.Gln235fs)

Gene: MSH3 (mutS homolog 3; plus strand). Cytogenetic location: 5q14.1.
Variant type: Duplication.
Coding change: c.702dup on transcript NM_002439.5 (MANE Select); coding-DNA position 702, one base duplicated (A; older notation c.702dupA).
Protein change: p.Gln235fs; shifts the reading frame from glutamine 235.
Molecular consequence: frameshift variant.
Genome position (GRCh38, 1-based): chr5:80,670,219, A duplicated. VCF-style (leftmost placement, unchanged base first): chr5-80670218-T-TA. GRCh37 (hg19) VCF-style: chr5-79966037-T-TA.
Other names: short protein forms Q235fs.
Identifiers: ClinVar variation 1756774 (VCV001756774.2), dbSNP rs2546721160, ClinGen allele CA2580073497.
Genomic context (GRCh38, chr5:80,670,218, plus strand): 5'-AGAAAACTGCTTCCAAATCAGCTAACAAACGGTCCAAAAGCATCTATACGCCGCTAGAAT[T>TA]ACAATACATAGAAATGAAGCAGCAGCACAAAGATGCAGTTTTGTGTGTGGAATGTGGATA-3'

ClinVar aggregate classification (germline): Pathogenic (1 of 4 stars; one submission).

Conditions:
Hereditary cancer-predisposing syndrome. Also called: Neoplastic Syndromes, Hereditary; Tumor predisposition; Hereditary Cancer Syndrome; Hereditary neoplastic syndrome. Identifiers: Orphanet 140162, MedGen C0027672, MeSH D009386, MONDO:0015356.

Submission:

Ambry Genetics
Classification: Pathogenic for Hereditary cancer-predisposing syndrome. Last evaluated: 2021-07-22. Review status: criteria provided, single submitter. Criteria: Ambry Variant Classification Scheme 2023. Collection method: clinical testing. Allele origin: germline.
Comment: The c.702dupA pathogenic mutation, located in coding exon 4 of the MSH3 gene, results from a duplication of A at nucleotide position 702, causing a translational frameshift with a predicted alternate stop codon (p.Q235Tfs*21). This alteration is expected to result in loss of function by premature protein truncation or nonsense-mediated mRNA decay. As such, this alteration is interpreted as a disease-causing mutation.